The following is an entry in ClinVar:

ClinVar aggregate classification (germline): Uncertain significance. Review status: criteria provided, multiple submitters, no conflicts (2 of 4 stars). 2 submissions from 2 submitters: Uncertain significance (2). Last evaluated 2023-10-02.

Conditions:
Hereditary cancer-predisposing syndrome. Also called: Neoplastic Syndromes, Hereditary; Tumor predisposition; Hereditary neoplastic syndrome; Hereditary Cancer Syndrome. Identifiers: Orphanet 140162, MedGen C0027672, MeSH D009386, MONDO:0015356.

Submissions (2):

Ambry Genetics
Classification: Uncertain significance for Hereditary cancer-predisposing syndrome. Last evaluated: 2023-10-02. Review status: criteria provided, single submitter. Criteria: Ambry Variant Classification Scheme 2023. Collection method: clinical testing. Allele origin: germline.
Comment: The p.P748T variant (also known as c.2242C>A), located in coding exon 14 of the RAD50 gene, results from a C to A substitution at nucleotide position 2242. The proline at codon 748 is replaced by threonine, an amino acid with highly similar properties. This amino acid position is conserved. In addition, the in silico prediction for this alteration is inconclusive. Since supporting evidence is limited at this time, the clinical significance of this alteration remains unclear.

Labcorp Genetics (formerly Invitae), Labcorp
Classification: Uncertain significance for Hereditary cancer-predisposing syndrome. Last evaluated: 2019-01-26. Review status: criteria provided, single submitter. Criteria: Invitae Variant Classification Sherloc (09022015). Collection method: clinical testing. Allele origin: germline.
Comment: In summary, the available evidence is currently insufficient to determine the role of this variant in disease. Therefore, it has been classified as a Variant of Uncertain Significance. Algorithms developed to predict the effect of missense changes on protein structure and function are either unavailable or do not agree on the potential impact of this missense change (SIFT: "Tolerated"; PolyPhen-2: "Probably Damaging"; Align-GVGD: "Class C0"). This variant has not been reported in the literature in individuals with RAD50-related conditions. This variant is not present in population databases (ExAC no frequency). This sequence change replaces proline with threonine at codon 748 of the RAD50 protein (p.Pro748Thr). The proline residue is moderately conserved and there is a small physicochemical difference between proline and threonine.

NM_005732.4(RAD50):c.2242C>A (p.Pro748Thr)

Gene: RAD50 (RAD50 double strand break repair protein; plus strand). Cytogenetic location: 5q31.1.
Variant type: single nucleotide variant.
Coding change: c.2242C>A on transcript NM_005732.4 (MANE Select); coding-DNA position 2242, C replaced by A.
Protein change: p.Pro748Thr; replaces proline 748 with threonine.
Molecular consequence: missense variant.
Genome position (GRCh38, 1-based): chr5:132,603,334, C>A. VCF-style: chr5-132603334-C-A. GRCh37 (hg19) VCF-style: chr5-131939026-C-A.
Other names: short protein forms P748T.
Identifiers: ClinVar variation 840726 (VCV000840726.11), dbSNP rs1750920510, ClinGen allele CA360953954.